The following is an entry in ClinVar:

NM_000051.4(ATM):c.6452+9A>C

Genes: ATM (ATM serine/threonine kinase; plus strand), C11orf65 (chromosome 11 open reading frame 65; minus strand). Cytogenetic location: 11q22.3.
Variant type: single nucleotide variant.
Coding change: c.6452+9A>C on transcript NM_000051.4 (MANE Select); 9 bases into the intron after coding-DNA position 6452, A replaced by C.
Molecular consequence: intron variant.
Genome position (GRCh38, 1-based): chr11:108,320,067, A>C. VCF-style: chr11-108320067-A-C. GRCh37 (hg19) VCF-style: chr11-108190794-A-C.
Other names: c.6452+9A>C (NM_001351834.2); c.641-10996T>G (NM_001330368.2); c.*39-10996T>G (NM_001351110.2).
Identifiers: ClinVar variation 388903 (VCV000388903.6), dbSNP rs771531015, ClinGen allele CA6265937.

ClinVar aggregate classification (germline): Likely benign. Review status: criteria provided, multiple submitters, no conflicts (2 of 4 stars). 3 submissions from 3 submitters: Likely benign (3). Last evaluated 2024-09-16.

Conditions:
Ataxia-telangiectasia syndrome (AT). Also called: LOUIS-BAR SYNDROME; Cerebello-oculocutaneous telangiectasia; Immunodeficiency with ataxia telangiectasia; Ataxia-telangiectasia, complementation group D; AT, COMPLEMENTATION GROUP C; Ataxia-telangiectasia, complementation group E. Identifiers: Orphanet 100, MedGen C0004135, MONDO:0008840, OMIM 208900.

Allele frequency attached by ClinVar (database versions not stated): gnomAD below 0.00001 and 0.00001; gnomAD exomes 0.00001 and below 0.00001; ExAC 0.00002.
gnomAD v4.1: 5 of 1,558,926 alleles (0.00032%); highest among the groups gnomAD compares: South Asian, 0.0056%; no homozygotes.

Submissions (3):

Labcorp Genetics (formerly Invitae), Labcorp
Classification: Likely benign for Ataxia-telangiectasia syndrome. Last evaluated: 2024-09-16. Review status: criteria provided, single submitter. Criteria: Invitae Variant Classification Sherloc (09022015). Collection method: clinical testing. Allele origin: germline.

PreventionGenetics, part of Exact Sciences
Classification: Likely benign. Last evaluated: 2017-08-02. Review status: criteria provided, single submitter. Criteria: ACMG Guidelines, 2015. Collection method: clinical testing. Allele origin: germline.

GeneDx
Classification: Likely benign. Last evaluated: 2016-08-24. Review status: criteria provided, single submitter. Criteria: GeneDx Variant Classification (06012015). Collection method: clinical testing. Allele origin: germline. Affected: yes.
Comment: This variant is considered likely benign or benign based on one or more of the following criteria: it is a conservative change, it occurs at a poorly conserved position in the protein, it is predicted to be benign by multiple in silico algorithms, and/or has population frequency not consistent with disease.